The following is an entry in ClinVar:

NM_003238.6(TGFB2):c.272G>A (p.Arg91His)

Gene: TGFB2 (transforming growth factor beta 2; plus strand). Cytogenetic location: 1q41.
Variant type: single nucleotide variant.
Coding change: c.272G>A on transcript NM_003238.6 (MANE Select); coding-DNA position 272, G replaced by A.
Protein change: p.Arg91His; replaces arginine 91 with histidine.
Molecular consequence: missense variant. On other transcripts: non-coding transcript variant (2).
Genome position (GRCh38, 1-based): chr1:218,346,973, G>A. VCF-style: chr1-218346973-G-A. GRCh37 (hg19) VCF-style: chr1-218520315-G-A.
Other names: p.R91H:CGC>CAC; c.272G>A, p.Arg91His (NM_001135599.4); short protein forms R91H.
Identifiers: ClinVar variation 213835 (VCV000213835.83), dbSNP rs10482721, ClinGen allele CA320886.

ClinVar aggregate classification (germline): Benign/Likely benign. Review status: criteria provided, multiple submitters, no conflicts (2 of 4 stars). 19 submissions from 19 submitters: Benign (9); Likely benign (6). 4 of the submissions do not count toward it. Last evaluated 2026-04-01.

Conditions:
Hirschsprung disease, susceptibility to, 1 (HSCR1). Also called: RET-Related Hirschsprung Disease. Identifiers: Orphanet 388, MedGen C3888239, MONDO:0007723, OMIM 142623.
Ehlers-Danlos syndrome (EDS). Identifiers: Orphanet 98249, MedGen C0013720, MONDO:0020066.
Familial thoracic aortic aneurysm and aortic dissection (TAAD). Also called: Thoracic aortic aneurysms and dissections. Identifiers: Orphanet 91387, MedGen C4707243, MONDO:0019625.
Loeys-Dietz syndrome 4 (LDS4). Also called: TGFB2-Related Loeys-Dietz Syndrome; ANEURYSM, AORTIC AND CEREBRAL, WITH ARTERIAL TORTUOSITY AND SKELETAL MANIFESTATIONS. Identifiers: MedGen C3553762, MONDO:0013897, OMIM 614816.
Holt-Oram syndrome (HOS). Also called: TBX5-Related Holt-Oram Syndrome; Ventriculo-radial syndrome; Cardiac-limb syndrome; Heart-hand syndrome, type 1. Identifiers: Orphanet 392, MedGen C0265264, MONDO:0007732, OMIM 142900.

Allele frequency attached by ClinVar (database versions not stated): 1000 Genomes Project 0.00080; 1000 Genomes Project 30x 0.00109; gnomAD 0.00297 and 0.00303; TOPMed 0.00309; ESP Exome Variant Server 0.00370; gnomAD exomes 0.00389 and 0.00396; ExAC 0.00527.
gnomAD v4.1: 6,160 of 1,613,634 alleles (0.38%); highest among the groups gnomAD compares: Middle Eastern, 0.73%; 22 homozygotes.

Submissions (19):

CeGaT Center for Human Genetics Tuebingen
Classification: Likely benign. Last evaluated: 2026-04-01. Review status: criteria provided, single submitter. Criteria: CeGaT Center For Human Genetics Tuebingen Variant Classification Criteria Version 2. Collection method: clinical testing. Allele origin: germline. Affected: yes. Observed: 27 variant alleles.
Comment: TGFB2: BS2

Labcorp Genetics (formerly Invitae), Labcorp
Classification: Benign for Loeys-Dietz syndrome 4. Last evaluated: 2026-02-04. Review status: criteria provided, single submitter. Criteria: Invitae Variant Classification Sherloc (09022015). Collection method: clinical testing. Allele origin: germline.

ARUP Laboratories, Molecular Genetics and Genomics, ARUP Laboratories
Classification: Benign for Loeys-Dietz syndrome 4. Last evaluated: 2025-03-31. Review status: criteria provided, single submitter. Criteria: ARUP Molecular Germline Variant Investigation Process 2024. Collection method: clinical testing. Allele origin: germline.

Blueprint Genetics
Classification: Likely benign. Last evaluated: 2024-11-21. Review status: criteria provided, single submitter. Criteria: ACMG Guidelines, 2015. Collection method: clinical testing. Allele origin: germline.

Mayo Clinic Laboratories, Mayo Clinic
Classification: Benign. Last evaluated: 2023-06-21. Review status: criteria provided, single submitter. Criteria: ACMG Guidelines, 2015. Collection method: clinical testing. Allele origin: germline. Observed: 15 variant alleles.
Comment: BS1, BS2, BP4

Genome Diagnostics Laboratory, The Hospital for Sick Children
Classification: Benign for Ehlers-Danlos syndrome. Last evaluated: 2022-03-01. Review status: criteria provided, single submitter. Criteria: ACMG Guidelines, 2015. Collection method: clinical testing. Allele origin: germline.

Fulgent Genetics
Classification: Likely benign for Loeys-Dietz syndrome 4. Last evaluated: 2021-11-16. Review status: criteria provided, single submitter. Criteria: ACMG Guidelines, 2015. Collection method: clinical testing. Allele origin: unknown.

Molecular Diagnostic Laboratory for Inherited Cardiovascular Disease, Montreal Heart Institute
Classification: Likely benign. Last evaluated: 2020-03-03. Review status: criteria provided, single submitter. Criteria: ACMG Guidelines, 2015. Collection method: clinical testing. Allele origin: germline. Affected: yes.

Mendelics
Classification: Likely benign for Holt-Oram syndrome. Last evaluated: 2019-05-28. Review status: criteria provided, single submitter. Criteria: Mendelics Assertion Criteria 2017. Collection method: clinical testing. Allele origin: unknown.

Ambry Genetics
Classification: Likely benign for Familial thoracic aortic aneurysm and aortic dissection. Last evaluated: 2018-06-11. Review status: criteria provided, single submitter. Criteria: Ambry Variant Classification Scheme 2023. Collection method: clinical testing. Allele origin: germline.

Illumina Laboratory Services, Illumina
Classification: Benign for Loeys-Dietz syndrome 4. Last evaluated: 2018-01-13. Review status: criteria provided, single submitter. Criteria: ICSL Variant Classification Criteria 13 December 2019. Collection method: clinical testing. Allele origin: germline.
Comment: This variant was observed in the ICSL laboratory as part of a predisposition screen in an ostensibly healthy population. It had not been previously curated by ICSL or reported in the Human Gene Mutation Database (HGMD: prior to June 1st, 2018), and was therefore a candidate for classification through an automated scoring system. Utilizing variant allele frequency, disease prevalence and penetrance estimates, and inheritance mode, an automated score was calculated to assess if this variant is too frequent to cause the disease. Based on the score and internal cut-off values, a variant classified as benign is not then subjected to further curation. The score for this variant resulted in a classification of benign for this disease.

CHEO Genetics Diagnostic Laboratory, Children's Hospital of Eastern Ontario
Classification: Benign for Familial thoracic aortic aneurysm and aortic dissection. Last evaluated: 2017-11-02. Review status: criteria provided, single submitter. Criteria: ACMG Guidelines, 2015. Collection method: clinical testing. Allele origin: germline.

Women's Health and Genetics/Laboratory Corporation of America, LabCorp
Classification: Benign. Last evaluated: 2017-07-14. Review status: criteria provided, single submitter. Criteria: LabCorp Variant Classification Summary - May 2015. Collection method: clinical testing. Allele origin: germline.
Comment: Variant summary: The TGFB2 c.272G>A (p.Arg91His) variant involves the alteration of a conserved nucleotide. 3/4 in silico tools predict damaging outcome for this variant, however in silico predictions are not definitive. This variant was found in 519/98396 control chromosomes (4 homozygotes) from ExAC at a frequency of 0.0052746, which is approximately 422 times the estimated maximal expected allele frequency of a pathogenic TGFB2 variant (0.0000125), suggesting this variant is likely a benign polymorphism. In addition, multiple clinical diagnostic laboratories (via ClinVar) have classified this variant as benign/likely benign. To our knowledge, the variant of interest has not been reported in affected individuals in literature. Taken together, this variant is classified as benign.

GeneDx
Classification: Benign. Last evaluated: 2016-11-30. Review status: criteria provided, single submitter. Criteria: GeneDx Variant Classification (06012015). Collection method: clinical testing. Allele origin: germline. Affected: yes.
Comment: This variant is considered likely benign or benign based on one or more of the following criteria: it is a conservative change, it occurs at a poorly conserved position in the protein, it is predicted to be benign by multiple in silico algorithms, and/or has population frequency not consistent with disease.

PreventionGenetics, part of Exact Sciences
Classification: Benign. Review status: criteria provided, single submitter. Criteria: ACMG Guidelines, 2015. Collection method: clinical testing. Allele origin: germline.

Clinical Genetics, Erasmus University Medical Center
Classification: Uncertain significance for Hirschsprung disease, susceptibility to, 1. Last evaluated: 2016-11-18. Review status: no assertion criteria provided. Collection method: clinical testing. Allele origin: paternal. Inheritance: Oligogenic inheritance. Affected: yes. Observed: 1 variant allele, 1 heterozygote. Not counted in ClinVar's aggregate classification.

Genome Diagnostics Laboratory, Amsterdam University Medical Center
Classification: Benign. Review status: no assertion criteria provided. Collection method: clinical testing. Allele origin: germline. Affected: yes. Study: VKGL Data-share Consensus. Not counted in ClinVar's aggregate classification.

Joint Genome Diagnostic Labs from Nijmegen and Maastricht, Radboudumc and MUMC+
Classification: Likely benign. Review status: no assertion criteria provided. Collection method: clinical testing. Allele origin: germline. Affected: yes. Study: VKGL Data-share Consensus. Not counted in ClinVar's aggregate classification.

Laboratory of Diagnostic Genome Analysis, Leiden University Medical Center (LUMC)
Classification: Likely benign. Review status: no assertion criteria provided. Collection method: clinical testing. Allele origin: germline. Affected: yes. Study: VKGL Data-share Consensus. Not counted in ClinVar's aggregate classification.

Literature cited by the submitters: PubMed 26017485 (cited by Ambry Genetics).